The following is an entry in ClinVar:

ClinVar aggregate classification (germline): Uncertain significance (1 of 4 stars; one submission).

Conditions:
Hereditary cancer-predisposing syndrome. Also called: Hereditary neoplastic syndrome; Neoplastic Syndromes, Hereditary; Tumor predisposition; Hereditary Cancer Syndrome. Identifiers: Orphanet 140162, MedGen C0027672, MeSH D009386, MONDO:0015356.

Submission:

Ambry Genetics
Classification: Uncertain significance for Hereditary cancer-predisposing syndrome. Last evaluated: 2025-02-13. Review status: criteria provided, single submitter. Criteria: Ambry Variant Classification Scheme 2023. Collection method: clinical testing. Allele origin: germline.
Comment: The p.V28D variant (also known as c.83T>A), located in coding exon 2 of the EPCAM gene, results from a T to A substitution at nucleotide position 83. The valine at codon 28 is replaced by aspartic acid, an amino acid with highly dissimilar properties. This amino acid position is conserved. In addition, this alteration is predicted to be tolerated by in silico analysis. Based on the available evidence, the clinical significance of this variant remains unclear.

NM_002354.3(EPCAM):c.83T>A (p.Val28Asp)

Gene: EPCAM (epithelial cell adhesion molecule; plus strand). Cytogenetic location: 2p21.
Variant type: single nucleotide variant.
Coding change: c.83T>A on transcript NM_002354.3 (MANE Select); coding-DNA position 83, T replaced by A.
Protein change: p.Val28Asp; replaces valine 28 with aspartic acid.
Molecular consequence: missense variant.
Genome position (GRCh38, 1-based): chr2:47,373,469, T>A. VCF-style: chr2-47373469-T-A. GRCh37 (hg19) VCF-style: chr2-47600608-T-A.
Other names: short protein forms V28D.
Identifiers: ClinVar variation 3845306 (VCV003845306.1).